The following is an entry in ClinVar:

ClinVar aggregate classification (germline): Benign. Review status: criteria provided, multiple submitters, no conflicts (2 of 4 stars). 9 submissions from 9 submitters: Benign (7). 2 of the submissions do not count toward it. Last evaluated 2026-02-04.

Conditions:
Giant axonal neuropathy 1 (GAN1). Also called: GAN-Related Neurodegeneration; GIANT AXONAL NEUROPATHY 1, AUTOSOMAL RECESSIVE. Identifiers: Orphanet 643, MedGen C1850386, MONDO:0009749, OMIM 256850.

Allele frequency attached by ClinVar (database versions not stated): 1000 Genomes Project 0.15116; 1000 Genomes Project 30x 0.15693; gnomAD 0.21491 and 0.21090; gnomAD exomes 0.19383; ExAC 0.19544; TOPMed 0.20278; ESP Exome Variant Server 0.22978.
gnomAD v4.1: 363,192 of 1,612,604 alleles (23%); highest among the groups gnomAD compares: Non-Finnish European, 25%; 43,257 homozygotes.

Submissions (9):

Labcorp Genetics (formerly Invitae), Labcorp
Classification: Benign for Giant axonal neuropathy 1. Last evaluated: 2026-02-04. Review status: criteria provided, single submitter. Criteria: Invitae Variant Classification Sherloc (09022015). Collection method: clinical testing. Allele origin: germline.

Genome-Nilou Lab
Classification: Benign for Giant axonal neuropathy 1. Last evaluated: 2021-08-10. Review status: criteria provided, single submitter. Criteria: ACMG Guidelines, 2015. Collection method: clinical testing. Allele origin: germline. Affected: no.

Illumina Laboratory Services, Illumina
Classification: Benign for Giant axonal neuropathy 1. Last evaluated: 2018-01-13. Review status: criteria provided, single submitter. Criteria: ICSL Variant Classification Criteria 13 December 2019. Collection method: clinical testing. Allele origin: germline.
Comment: This variant was observed in the ICSL laboratory as part of a predisposition screen in an ostensibly healthy population. It had not been previously curated by ICSL or reported in the Human Gene Mutation Database (HGMD: prior to June 1st, 2018), and was therefore a candidate for classification through an automated scoring system. Utilizing variant allele frequency, disease prevalence and penetrance estimates, and inheritance mode, an automated score was calculated to assess if this variant is too frequent to cause the disease. Based on the score and internal cut-off values, a variant classified as benign is not then subjected to further curation. The score for this variant resulted in a classification of benign for this disease.

Mayo Clinic Laboratories, Mayo Clinic
Classification: Benign. Last evaluated: 2015-08-26. Review status: criteria provided, single submitter. Criteria: ACMG Guidelines, 2015. Collection method: clinical testing. Allele origin: germline. Observed: 791 variant alleles.

GeneDx
Classification: Benign. Last evaluated: 2015-03-03. Review status: criteria provided, single submitter. Criteria: GeneDx Variant Classification Process June 2021. Collection method: clinical testing. Allele origin: germline. Affected: yes.

Breakthrough Genomics
Classification: Benign. Review status: criteria provided, single submitter. Criteria: ACMG Guidelines, 2015. Collection method: not provided. Allele origin: germline. Inheritance: Autosomal recessive inheritance. Affected: yes.

PreventionGenetics, part of Exact Sciences
Classification: Benign. Review status: criteria provided, single submitter. Criteria: ACMG Guidelines, 2015. Collection method: clinical testing. Allele origin: germline.

ClinVar Staff, National Center for Biotechnology Information (NCBI)
Classification: Benign for Giant axonal neuropathy 1. Last evaluated: 2014-10-09. Review status: no assertion criteria provided. Collection method: literature only. Allele origin: germline. Not counted in ClinVar's aggregate classification.
Comment: This SCV is no longer cited in the GeneReview (NBK1136).

Genetic Services Laboratory, University of Chicago
Classification: Likely benign for AllHighlyPenetrant. Review status: no assertion criteria provided. Collection method: clinical testing. Allele origin: germline. Inheritance: Autosomal recessive inheritance. Not counted in ClinVar's aggregate classification.
Comment: Likely benign based on allele frequency in 1000 Genomes Project or ESP global frequency and its presence in a patient with a rare or unrelated disease phenotype. NOT Sanger confirmed.

Literature cited by the submitters: PubMed 11062483 (cited by ClinVar Staff, National Center for Biotechnology Information (NCBI)).

NM_022041.4(GAN):c.1293C>T (p.Tyr431=)

Gene: GAN (gigaxonin; plus strand). Cytogenetic location: 16q23.2.
Variant type: single nucleotide variant.
Coding change: c.1293C>T on transcript NM_022041.4 (MANE Select); coding-DNA position 1293, C replaced by T.
Protein change: p.Tyr431=; no amino-acid change (tyrosine 431 retained).
Molecular consequence: synonymous variant.
Genome position (GRCh38, 1-based): chr16:81,365,030, C>T. VCF-style: chr16-81365030-C-T. GRCh37 (hg19) VCF-style: chr16-81398635-C-T.
Other names: p.Tyr431=; c.654C>T, p.Tyr218= (NM_001377486.1).
Identifiers: ClinVar variation 129131 (VCV000129131.24), dbSNP rs2608555, ClinGen allele CA152934.